The following is an entry in ClinVar:

ClinVar aggregate classification (germline): Uncertain significance (1 of 4 stars; one submission).

Conditions:
Cardiovascular phenotype. Identifiers: MedGen CN230736.

Submission:

Ambry Genetics
Classification: Uncertain significance for Cardiovascular phenotype. Last evaluated: 2023-11-30. Review status: criteria provided, single submitter. Criteria: Ambry Variant Classification Scheme 2023. Collection method: clinical testing. Allele origin: germline.
Comment: The p.K63T variant (also known as c.188A>C), located in coding exon 3 of the CACNA2D1 gene, results from an A to C substitution at nucleotide position 188. The lysine at codon 63 is replaced by threonine, an amino acid with similar properties. This amino acid position is conserved. In addition, this alteration is predicted to be tolerated by in silico analysis. Since supporting evidence is limited at this time, the clinical significance of this alteration remains unclear.

NM_000722.4(CACNA2D1):c.188A>C (p.Lys63Thr)

Gene: CACNA2D1 (calcium voltage-gated channel auxiliary subunit alpha2delta 1; minus strand). Cytogenetic location: 7q21.11.
Variant type: single nucleotide variant.
Coding change: c.188A>C on transcript NM_000722.4 (MANE Select); coding-DNA position 188, A replaced by C.
Protein change: p.Lys63Thr; replaces lysine 63 with threonine.
Molecular consequence: missense variant.
Genome position (GRCh38, 1-based): chr7:82,335,241, T>G on the plus strand (A>C on the coding strand, the complement: CACNA2D1 is on the minus strand). VCF-style: chr7-82335241-T-G. GRCh37 (hg19) VCF-style: chr7-81964557-T-G.
Other names: c.188A>C, p.Lys63Thr (NM_001302890.2, NM_001366867.1); short protein forms K63T.
Identifiers: ClinVar variation 3232253 (VCV003232253.1), dbSNP rs1397739989, ClinGen allele CA368017962.